The following is an entry in ClinVar:

NM_000038.6(APC):c.1032T>A (p.Cys344Ter)

Gene: APC (APC regulator of Wnt signaling pathway; plus strand). Cytogenetic location: 5q22.2.
Variant type: single nucleotide variant.
Coding change: c.1032T>A on transcript NM_000038.6 (MANE Select); coding-DNA position 1032, T replaced by A.
Protein change: p.Cys344Ter; replaces cysteine 344 with a stop codon.
Molecular consequence: nonsense. On other transcripts: intron variant (4).
Genome position (GRCh38, 1-based): chr5:112,819,064, T>A. VCF-style: chr5-112819064-T-A. GRCh37 (hg19) VCF-style: chr5-112154761-T-A.
Other names: c.1032T>A, p.Cys344Ter (NM_001127510.3, NM_001354895.2, NM_001354896.2); c.978T>A, p.Cys326Ter (NM_001127511.3); c.1062T>A, p.Cys354Ter (NM_001354897.2); c.957T>A, p.Cys319Ter (NM_001354898.2); c.948T>A, p.Cys316Ter (NM_001354899.2); c.855T>A, p.Cys285Ter (NM_001354900.2, NM_001354901.2); c.183T>A, p.Cys61Ter (NM_001354906.2); c.964-205T>A (NM_001354902.2); and 3 more; short protein forms C326*, C344*, C354*, C61*, C285*, C316*, C319*.
Identifiers: ClinVar variation 927737 (VCV000927737.7), dbSNP rs1762819450, ClinGen allele CA16023571.
Genomic context (GRCh38, chr5:112,819,064, plus strand): 5'-TCATGATAAGGATGATATGTCGCGAACTTTGCTAGCTATGTCTAGCTCCCAAGACAGCTG[T>A]ATATCCATGCGACAGTCTGGATGTCTTCCTCTCCTCATCCAGCTTTTACATGGCAATGAC-3'

ClinVar aggregate classification (germline): Pathogenic. Review status: criteria provided, multiple submitters, no conflicts (2 of 4 stars). 3 submissions from 3 submitters: Pathogenic (3). Last evaluated 2024-08-24.

Conditions:
Hereditary cancer-predisposing syndrome. Also called: Neoplastic Syndromes, Hereditary; Hereditary Cancer Syndrome; Tumor predisposition; Hereditary neoplastic syndrome. Identifiers: Orphanet 140162, MedGen C0027672, MeSH D009386, MONDO:0015356.
Familial adenomatous polyposis 1 (FAP1). Also called: FAMILIAL ADENOMATOUS POLYPOSIS 1, ATTENUATED; POLYPOSIS, ADENOMATOUS INTESTINAL. Identifiers: MedGen C2713442, MONDO:0021056, OMIM 175100. Disease mechanism: loss of function.

Submissions (3):

Labcorp Genetics (formerly Invitae), Labcorp
Classification: Pathogenic for Familial adenomatous polyposis 1. Last evaluated: 2024-08-24. Review status: criteria provided, single submitter. Criteria: Invitae Variant Classification Sherloc (09022015). Collection method: clinical testing. Allele origin: germline.
Comment: This sequence change creates a premature translational stop signal (p.Cys344*) in the APC gene. It is expected to result in an absent or disrupted protein product. Loss-of-function variants in APC are known to be pathogenic (PMID: 17963004, 20685668). This variant is not present in population databases (gnomAD no frequency). This variant has not been reported in the literature in individuals affected with APC-related conditions. ClinVar contains an entry for this variant (Variation ID: 927737). For these reasons, this variant has been classified as Pathogenic.

Myriad Genetics, Inc.
Classification: Pathogenic for Familial adenomatous polyposis 1. Last evaluated: 2023-04-28. Review status: criteria provided, single submitter. Criteria: Myriad Autosomal Dominant, Autosomal Recessive and X-Linked Classification Criteria (2023). Collection method: clinical testing. Allele origin: unknown.
Comment: This variant is considered pathogenic. This variant creates a termination codon and is predicted to result in premature protein truncation.

Color Diagnostics, LLC DBA Color Health
Classification: Pathogenic for Hereditary cancer-predisposing syndrome. Last evaluated: 2020-01-14. Review status: criteria provided, single submitter. Criteria: ACMG Guidelines, 2015. Collection method: clinical testing. Allele origin: germline.
Comment: This variant changes 1 nucleotide in exon 10 of the APC gene, creating a premature translation stop signal. This variant is expected to result in an absent or non-functional protein product. This variant has not been identified in the general population by the Genome Aggregation Database (gnomAD). Loss of APC function is a known mechanism of disease. Based on the available evidence, this variant is classified as Pathogenic.

Literature cited by the submitters: PubMed 17963004 (cited by Labcorp Genetics (formerly Invitae), Labcorp); PubMed 20685668 (cited by Labcorp Genetics (formerly Invitae), Labcorp).